The following is an entry in ClinVar:

ClinVar aggregate classification (germline): Uncertain significance. Review status: criteria provided, multiple submitters, no conflicts (2 of 4 stars). 2 submissions from 2 submitters: Uncertain significance (2). Last evaluated 2026-03-19.

Conditions:
Inborn genetic diseases. Identifiers: MedGen C0950123, MeSH D030342.

Allele frequency attached by ClinVar (database versions not stated): gnomAD exomes below 0.00001; gnomAD 0.00001.
gnomAD v4.1: 2 of 1,601,382 alleles (0.00012%); highest among the groups gnomAD compares: Admixed American, 0.0017%; no homozygotes.

Submissions (2):

Women's Health and Genetics/Laboratory Corporation of America, LabCorp
Classification: Uncertain significance. Last evaluated: 2026-03-19. Review status: criteria provided, single submitter. Criteria: LabCorp Variant Classification Summary - May 2015. Collection method: clinical testing. Allele origin: germline.
Comment: Variant summary: SOX4 c.433G>A (p.Ala145Thr) results in a non-conservative amino acid change in the encoded protein sequence. Algorithms developed to predict the effect of missense changes on protein structure and function are either unavailable or do not agree on the potential impact of this missense change. The frequency data for this variant in gnomAD is considered unreliable, as metrics indicate poor data quality at this position. To our knowledge, no occurrence of c.433G>A in individuals affected with SOX4-related conditions and no experimental evidence demonstrating its impact on protein function have been reported. ClinVar contains an entry for this variant (Variation ID: 2569548). Based on the evidence outlined above, the variant was classified as uncertain significance.

Ambry Genetics
Classification: Uncertain significance for Inborn genetic diseases. Last evaluated: 2023-04-07. Review status: criteria provided, single submitter. Criteria: Ambry Variant Classification Scheme 2023. Collection method: clinical testing. Allele origin: germline.

NM_003107.3(SOX4):c.433G>A (p.Ala145Thr)

Gene: SOX4 (SRY-box transcription factor 4; plus strand). Cytogenetic location: 6p22.3.
Variant type: single nucleotide variant.
Coding change: c.433G>A on transcript NM_003107.3 (MANE Select); coding-DNA position 433, G replaced by A.
Protein change: p.Ala145Thr; replaces alanine 145 with threonine.
Molecular consequence: missense variant.
Genome position (GRCh38, 1-based): chr6:21,594,967, G>A. VCF-style: chr6-21594967-G-A. GRCh37 (hg19) VCF-style: chr6-21595198-G-A.
Other names: short protein forms A145T.
Identifiers: ClinVar variation 2569548 (VCV002569548.3), dbSNP rs1411838758, ClinGen allele CA363270552.